The following is an entry in ClinVar:

ClinVar aggregate classification (germline): Pathogenic (1 of 4 stars; one submission).

Conditions:
Familial cancer of breast. Also called: Hereditary breast cancer; BREAST CANCER, FAMILIAL; hereditary breast carcinoma. Identifiers: Orphanet 227535, MedGen C0346153, MONDO:0016419, OMIM 114480. Disease mechanism: loss of function.

Submission:

Myriad Genetics, Inc.
Classification: Pathogenic for Familial cancer of breast. Last evaluated: 2023-09-07. Review status: criteria provided, single submitter. Criteria: Myriad Autosomal Dominant, Autosomal Recessive and X-Linked Classification Criteria (2023). Collection method: clinical testing. Allele origin: unknown.
Comment: This variant is considered pathogenic. This variant creates a termination codon and is predicted to result in premature protein truncation.

NM_024675.4(PALB2):c.1111G>T (p.Glu371Ter)

Gene: PALB2 (partner and localizer of BRCA2; minus strand). Cytogenetic location: 16p12.2.
Variant type: single nucleotide variant.
Coding change: c.1111G>T on transcript NM_024675.4 (MANE Select); coding-DNA position 1111, G replaced by T.
Protein change: p.Glu371Ter; replaces glutamic acid 371 with a stop codon.
Molecular consequence: nonsense. On other transcripts: intron variant (3).
Genome position (GRCh38, 1-based): chr16:23,635,435, C>A on the plus strand (G>T on the coding strand, the complement: PALB2 is on the minus strand). VCF-style: chr16-23635435-C-A. GRCh37 (hg19) VCF-style: chr16-23646756-C-A.
Other names: c.1051G>T, p.Glu351Ter (NM_001407296.1); c.1111G>T, p.Glu371Ter (NM_001407297.1, NM_001407298.1, NM_001407299.1 and 3 more transcripts); c.226G>T, p.Glu76Ter (NM_001407304.1, NM_001407305.1, NM_001407306.1 and 5 more transcripts); c.48+5675G>T (NM_001407314.1); c.-104-4966G>T (NM_001407313.1, NM_001407312.1); short protein forms E351*, E371*, E76*.
Identifiers: ClinVar variation 2674086 (VCV002674086.1), dbSNP rs1312378621, ClinGen allele CA395133779.